The following is an entry in ClinVar:

NM_003060.4(SLC22A5):c.1520T>C (p.Leu507Ser)

Gene: SLC22A5 (solute carrier family 22 member 5; plus strand). Cytogenetic location: 5q31.1.
Variant type: single nucleotide variant.
Coding change: c.1520T>C on transcript NM_003060.4 (MANE Select); coding-DNA position 1520, T replaced by C.
Protein change: p.Leu507Ser; replaces leucine 507 with serine.
Molecular consequence: missense variant.
Genome position (GRCh38, 1-based): chr5:132,393,745, T>C. VCF-style: chr5-132393745-T-C. GRCh37 (hg19) VCF-style: chr5-131729437-T-C.
Other names: p.Leu507Ser; c.1592T>C, p.Leu531Ser (NM_001308122.2); short protein forms L507S, L531S.
Identifiers: ClinVar variation 1068475 (VCV001068475.13), dbSNP rs1157198543, ClinGen allele CA360809843.
Genomic context (GRCh38, chr5:132,393,745, plus strand): 5'-ACCGCTTCCTGCCCTACATTCTCATGGGAAGTCTGACCATCCTGACAGCCATCCTCACCT[T>C]GTTTCTCCCAGAGAGCTTCGGTACCCCACTCCCAGACACCATTGACCAGATGCTAAGAGT-3'
Protein context (NP_003051.1, residues 497-517): SLTILTAILT[Leu507Ser]FLPESFGTPL

ClinVar aggregate classification (germline): Pathogenic/Likely pathogenic. Review status: criteria provided, multiple submitters, no conflicts (2 of 4 stars). 4 submissions from 4 submitters: Pathogenic (1); Likely pathogenic (2). 1 of the submissions does not count toward it. Last evaluated 2024-03-05.

Conditions:
Renal carnitine transport defect (CDSP). Also called: Systemic primary carnitine deficiency; Carnitine transporter deficiency; Systemic primary carnitine deficiency disease; CARNITINE DEFICIENCY, SYSTEMIC, DUE TO DEFECT IN RENAL REABSORPTION OF CARNITINE; Primary carnitine deficiency; CARNITINE TRANSPORTER, PLASMA-MEMBRANE, DEFICIENCY OF. Identifiers: Orphanet 158, MedGen C0342788, MONDO:0008919, OMIM 212140.

Allele frequency attached by ClinVar (database versions not stated): TOPMed below 0.00001; gnomAD 0.00001; gnomAD exomes 0.00001.
gnomAD v4.1: 11 of 1,614,038 alleles (0.00068%); highest among the groups gnomAD compares: Non-Finnish European, 0.00093%; no homozygotes.

Submissions (4):

Fulgent Genetics
Classification: Likely pathogenic for Renal carnitine transport defect. Last evaluated: 2024-03-05. Review status: criteria provided, single submitter. Criteria: ACMG Guidelines, 2015. Collection method: clinical testing. Allele origin: germline.

Baylor Genetics
Classification: Likely pathogenic for Renal carnitine transport defect. Last evaluated: 2024-01-19. Review status: criteria provided, single submitter. Criteria: ACMG Guidelines, 2015. Collection method: clinical testing. Allele origin: unknown.

Labcorp Genetics (formerly Invitae), Labcorp
Classification: Pathogenic for Renal carnitine transport defect. Last evaluated: 2023-06-23. Review status: criteria provided, single submitter. Criteria: Invitae Variant Classification Sherloc (09022015). Collection method: clinical testing. Allele origin: germline.
Comment: This missense change has been observed in individual(s) with primary carnitine deficiency (PMID: 20574985). ClinVar contains an entry for this variant (Variation ID: 1068475). Advanced modeling of protein sequence and biophysical properties (such as structural, functional, and spatial information, amino acid conservation, physicochemical variation, residue mobility, and thermodynamic stability) performed at Invitae indicates that this missense variant is expected to disrupt SLC22A5 protein function. Experimental studies have shown that this missense change affects SLC22A5 function (PMID: 28841266). For these reasons, this variant has been classified as Pathogenic. This variant is present in population databases (no rsID available, gnomAD 0.007%). This sequence change replaces leucine, which is neutral and non-polar, with serine, which is neutral and polar, at codon 507 of the SLC22A5 protein (p.Leu507Ser).

Giacomini Lab, University of California, San Francisco
Classification: Uncertain significance for Renal carnitine transport defect. Last evaluated: 2022-10-03. Review status: flagged submission. Criteria: ACMG Guidelines, 2015. Collection method: research, in vitro. Allele origin: germline, not applicable. Not counted in ClinVar's aggregate classification.
ClinVar note: Reason: Claim with insufficient supporting evidence

Literature cited by the submitters: PubMed 20574985 (cited by Labcorp Genetics (formerly Invitae), Labcorp); PubMed 28841266 (cited by Labcorp Genetics (formerly Invitae), Labcorp).